The following is an entry in ClinVar:

ClinVar aggregate classification (germline): Uncertain significance (1 of 4 stars; one submission).

Conditions:
DICER1-related tumor predisposition. Also called: DICER1 syndrome; DICER1-related pleuropulmonary blastoma cancer predisposition syndrome. Identifiers: Orphanet 284343, MedGen C3839822, MONDO:0100216.

Submission:

Labcorp Genetics (formerly Invitae), Labcorp
Classification: Uncertain significance for DICER1-related tumor predisposition. Last evaluated: 2025-01-21. Review status: criteria provided, single submitter. Criteria: Invitae Variant Classification Sherloc (09022015). Collection method: clinical testing. Allele origin: germline.
Comment: This sequence change replaces glycine, which is neutral and non-polar, with glutamic acid, which is acidic and polar, at codon 1097 of the DICER1 protein (p.Gly1097Glu). This variant is not present in population databases (gnomAD no frequency). This variant has not been reported in the literature in individuals affected with DICER1-related conditions. ClinVar contains an entry for this variant (Variation ID: 1506220). Invitae Evidence Modeling of protein sequence and biophysical properties (such as structural, functional, and spatial information, amino acid conservation, physicochemical variation, residue mobility, and thermodynamic stability) has been performed for this missense variant. However, the output from this modeling did not meet the statistical confidence thresholds required to predict the impact of this variant on DICER1 protein function. In summary, the available evidence is currently insufficient to determine the role of this variant in disease. Therefore, it has been classified as a Variant of Uncertain Significance.

NM_177438.3(DICER1):c.3290G>A (p.Gly1097Glu)

Gene: DICER1 (dicer 1, ribonuclease III; minus strand). Cytogenetic location: 14q32.13.
Variant type: single nucleotide variant.
Coding change: c.3290G>A on transcript NM_177438.3 (MANE Select); coding-DNA position 3290, G replaced by A.
Protein change: p.Gly1097Glu; replaces glycine 1097 with glutamic acid.
Molecular consequence: missense variant.
Genome position (GRCh38, 1-based): chr14:95,104,106, C>T on the plus strand (G>A on the coding strand, the complement: DICER1 is on the minus strand). VCF-style: chr14-95104106-C-T. GRCh37 (hg19) VCF-style: chr14-95570443-C-T.
Other names: c.3290G>A, p.Gly1097Glu (NM_001195573.1, NM_001271282.3, NM_001291628.2 and 1 more transcripts); short protein forms G1097E.
Identifiers: ClinVar variation 1506220 (VCV001506220.9), dbSNP rs1566769651, ClinGen allele CA390876049.